The following is an entry in ClinVar:

NM_001244926.2(PRPF4):c.542C>G (p.Ala181Gly)

Gene: PRPF4 (pre-mRNA splicing tri-snRNP complex factor PRPF4; plus strand). Cytogenetic location: 9q32.
Variant type: single nucleotide variant.
Coding change: c.542C>G on transcript NM_001244926.2 (MANE Select); coding-DNA position 542, C replaced by G.
Protein change: p.Ala181Gly; replaces alanine 181 with glycine.
Molecular consequence: missense variant. On other transcripts: 5 prime UTR variant (2), non-coding transcript variant (2).
Genome position (GRCh38, 1-based): chr9:113,283,193, C>G. VCF-style: chr9-113283193-C-G. GRCh37 (hg19) VCF-style: chr9-116045473-C-G.
Other names: c.-224C>G (NM_001322266.2, NM_001322267.2); c.545C>G, p.Ala182Gly (NM_004697.5); short protein forms A181G, A182G.
Identifiers: ClinVar variation 2958870 (VCV002958870.3), dbSNP rs946103699, ClinGen allele CA198543985.

ClinVar aggregate classification (germline): Uncertain significance (1 of 4 stars; one submission).

Allele frequency attached by ClinVar (database versions not stated): gnomAD 0.00001; TOPMed 0.00002.
gnomAD v4.1: 3 of 1,614,046 alleles (0.00019%); highest among the groups gnomAD compares: African/African-American, 0.0027%; no homozygotes.

Submission:

Labcorp Genetics (formerly Invitae), Labcorp
Classification: Uncertain significance. Last evaluated: 2023-09-11. Review status: criteria provided, single submitter. Criteria: Invitae Variant Classification Sherloc (09022015). Collection method: clinical testing. Allele origin: germline.
Comment: This sequence change replaces alanine, which is neutral and non-polar, with glycine, which is neutral and non-polar, at codon 182 of the PRPF4 protein (p.Ala182Gly). This variant is not present in population databases (gnomAD no frequency). This variant has not been reported in the literature in individuals affected with PRPF4-related conditions. An algorithm developed to predict the effect of missense changes on protein structure and function (PolyPhen-2) suggests that this variant is likely to be disruptive. Algorithms developed to predict the effect of sequence changes on RNA splicing suggest that this variant may create or strengthen a splice site. In summary, the available evidence is currently insufficient to determine the role of this variant in disease. Therefore, it has been classified as a Variant of Uncertain Significance.